The following is an entry in ClinVar:

ClinVar aggregate classification (germline): Uncertain significance (1 of 4 stars; one submission).

Conditions:
Primary ciliary dyskinesia. Also called: Ciliary dyskinesia. Identifiers: Orphanet 244, MedGen C0008780, MONDO:0016575, HP:0012265.

Allele frequency attached by ClinVar (database versions not stated): TOPMed 0.00001; gnomAD exomes 0.00002; ExAC 0.00003.
gnomAD v4.1: 11 of 1,613,728 alleles (0.00068%); highest among the groups gnomAD compares: Admixed American, 0.013%; no homozygotes.

Submission:

Labcorp Genetics (formerly Invitae), Labcorp
Classification: Uncertain significance for Primary ciliary dyskinesia. Last evaluated: 2022-07-11. Review status: criteria provided, single submitter. Criteria: Invitae Variant Classification Sherloc (09022015). Collection method: clinical testing. Allele origin: germline.
Comment: This sequence change replaces valine, which is neutral and non-polar, with alanine, which is neutral and non-polar, at codon 314 of the CCDC40 protein (p.Val314Ala). This variant is present in population databases (rs758488439, gnomAD 0.02%). This variant has not been reported in the literature in individuals affected with CCDC40-related conditions. Algorithms developed to predict the effect of missense changes on protein structure and function output the following: SIFT: "Tolerated"; PolyPhen-2: "Benign"; Align-GVGD: "Class C0". The alanine amino acid residue is found in multiple mammalian species, which suggests that this missense change does not adversely affect protein function. In summary, the available evidence is currently insufficient to determine the role of this variant in disease. Therefore, it has been classified as a Variant of Uncertain Significance.

NM_017950.4(CCDC40):c.941T>C (p.Val314Ala)

Gene: CCDC40 (coiled-coil domain 40 molecular ruler complex subunit; plus strand). Cytogenetic location: 17q25.3.
Variant type: single nucleotide variant.
Coding change: c.941T>C on transcript NM_017950.4 (MANE Select); coding-DNA position 941, T replaced by C.
Protein change: p.Val314Ala; replaces valine 314 with alanine.
Molecular consequence: missense variant.
Genome position (GRCh38, 1-based): chr17:80,050,065, T>C. VCF-style: chr17-80050065-T-C. GRCh37 (hg19) VCF-style: chr17-78023864-T-C.
Other names: c.941T>C, p.Val314Ala (NM_001243342.2, NM_001330508.2); short protein forms V314A.
Identifiers: ClinVar variation 2428020 (VCV002428020.14), dbSNP rs758488439, ClinGen allele CA8813632.